The following is an entry in ClinVar:

NM_001267550.2(TTN):c.11311+3078A>G

Gene: TTN (titin; minus strand). Cytogenetic location: 2q31.2.
Variant type: single nucleotide variant.
Coding change: c.11311+3078A>G on transcript NM_001267550.2 (MANE Select); 3078 bases into the intron after coding-DNA position 11311, A replaced by G.
Molecular consequence: intron variant. On other transcripts: synonymous variant (1).
Genome position (GRCh38, 1-based): chr2:178,750,046, T>C on the plus strand (A>G on the coding strand, the complement: TTN is on the minus strand). VCF-style: chr2-178750046-T-C. GRCh37 (hg19) VCF-style: chr2-179614773-T-C.
Other names: c.12354A>G, p.Lys4118= (NM_133379.5); c.10222+3078A>G (NM_003319.4); c.10798+3078A>G (NM_133437.4); c.10597+3078A>G (NM_133432.3); c.10360+3078A>G (NM_133378.4, NM_001256850.1).
Identifiers: ClinVar variation 3346355 (VCV003346355.1).
Genomic context (GRCh38, chr2:178,750,046, plus strand): 5'-TTGATCTTGAGGCATTGCTTTAGGTTCCAGCTCCTCAGTTTGAAACACTTCTTTAGACTC[T>C]TTATCCTGTTCTGGGATAGGAGTAGCTGCTGTTACCTGAATTTCTACAGGAAAGGAAAGC-3'

ClinVar aggregate classification (germline): Likely benign (0 of 4 stars; one submission).

Conditions:
TTN-related disorder. Also called: TTN-related disorders; TTN-related condition; TTN-related disease.

gnomAD v4.1: 2 of 1,613,238 alleles (0.00012%); highest among the groups gnomAD compares: Non-Finnish European, 0.00017%; no homozygotes.

Submission:

PreventionGenetics, part of Exact Sciences
Classification: Likely benign for TTN-related condition. Last evaluated: 2024-09-04. Review status: no assertion criteria provided. Collection method: clinical testing. Allele origin: germline.
Comment: This variant is classified as likely benign based on ACMG/AMP sequence variant interpretation guidelines (Richards et al. 2015 PMID: 25741868, with internal and published modifications).